The following is an entry in ClinVar:

ClinVar aggregate classification (germline): Likely benign (1 of 4 stars; one submission).

gnomAD v4.1: 3 of 1,614,058 alleles (0.00019%); highest among the groups gnomAD compares: African/African-American, 0.004%; no homozygotes.

Submission:

Athena Diagnostics
Classification: Likely benign. Last evaluated: 2025-11-10. Review status: criteria provided, single submitter. Criteria: Athena Diagnostics Criteria. Collection method: clinical testing. Allele origin: unknown.
Comment: Computational tools yielded predictions that this variant is unlikely to have an effect on normal RNA splicing. This nucleotide position exhibits low evolutionary conservation.

NM_198994.3(TGM6):c.1902G>A (p.Glu634=)

Gene: TGM6 (transglutaminase 6; plus strand). Cytogenetic location: 20p13.
Variant type: single nucleotide variant.
Coding change: c.1902G>A on transcript NM_198994.3 (MANE Select); coding-DNA position 1902, G replaced by A.
Protein change: p.Glu634=; no amino-acid change (glutamic acid 634 retained).
Molecular consequence: synonymous variant. On other transcripts: intron variant (1).
Genome position (GRCh38, 1-based): chr20:2,430,962, G>A. VCF-style: chr20-2430962-G-A. GRCh37 (hg19) VCF-style: chr20-2411608-G-A.
Other names: c.1833+362G>A (NM_001254734.2).
Identifiers: ClinVar variation 4682417 (VCV004682417.1).